The following is an entry in ClinVar:

ClinVar aggregate classification (germline): Pathogenic. Review status: criteria provided, single submitter (1 of 4 stars). 2 submissions from 2 submitters: Pathogenic (1). 1 of the submissions does not count toward it. Last evaluated 2023-07-29.

Conditions:
Charcot-Marie-Tooth disease. Also called: Charcot-Marie-Tooth Hereditary Neuropathy; Charcot-Marie-Tooth Neuropathy. Identifiers: Orphanet 166, MedGen C0007959, MONDO:0015626.
Charcot-Marie-Tooth Neuropathy X. Identifiers: MedGen CN118851.

Submissions (2):

Labcorp Genetics (formerly Invitae), Labcorp
Classification: Pathogenic for Charcot-Marie-Tooth Neuropathy X. Last evaluated: 2023-07-29. Review status: criteria provided, single submitter. Criteria: Invitae Variant Classification Sherloc (09022015). Collection method: clinical testing. Allele origin: germline.
Comment: This sequence change replaces valine, which is neutral and non-polar, with alanine, which is neutral and non-polar, at codon 23 of the GJB1 protein (p.Val23Ala). This variant is not present in population databases (gnomAD no frequency). This missense change has been observed in individuals with Charcot-Marie-Tooth disease (PMID: 9187667, 17100997, 23011429; Invitae). It has also been observed to segregate with disease in related individuals. ClinVar contains an entry for this variant (Variation ID: 637585). Advanced modeling of protein sequence and biophysical properties (such as structural, functional, and spatial information, amino acid conservation, physicochemical variation, residue mobility, and thermodynamic stability) performed at Invitae indicates that this missense variant is not expected to disrupt GJB1 protein function. For these reasons, this variant has been classified as Pathogenic.

Inherited Neuropathy Consortium
Classification: Uncertain significance for Charcot-Marie-Tooth disease. Review status: no assertion criteria provided. Collection method: literature only. Allele origin: germline. Affected: yes. Not counted in ClinVar's aggregate classification.

Literature cited by the submitters: PubMed 9187667 (cited by Labcorp Genetics (formerly Invitae), Labcorp); PubMed 17100997 (cited by Labcorp Genetics (formerly Invitae), Labcorp and Inherited Neuropathy Consortium); PubMed 23011429 (cited by Labcorp Genetics (formerly Invitae), Labcorp).

NM_000166.6(GJB1):c.68T>C (p.Val23Ala)

Gene: GJB1 (gap junction protein beta 1; plus strand). Cytogenetic location: Xq13.1.
Variant type: single nucleotide variant.
Coding change: c.68T>C on transcript NM_000166.6 (MANE Select); coding-DNA position 68, T replaced by C.
Protein change: p.Val23Ala; replaces valine 23 with alanine.
Molecular consequence: missense variant.
Genome position (GRCh38, 1-based): chrX:71,223,775, T>C. VCF-style: chrX-71223775-T-C. GRCh37 (hg19) VCF-style: chrX-70443625-T-C.
Other names: c.68T>C, p.Val23Ala (NM_001097642.3); short protein forms V23A.
Identifiers: ClinVar variation 637585 (VCV000637585.10), dbSNP rs1602348650, ClinGen allele CA413500724.